The following is an entry in ClinVar:

NM_001378454.1(ALMS1):c.1102T>G (p.Ser368Ala)

Gene: ALMS1 (ALMS1 centrosome and basal body associated protein; plus strand). Cytogenetic location: 2p13.1.
Variant type: single nucleotide variant.
Coding change: c.1102T>G on transcript NM_001378454.1 (MANE Select); coding-DNA position 1102, T replaced by G.
Protein change: p.Ser368Ala; replaces serine 368 with alanine.
Molecular consequence: missense variant.
Genome position (GRCh38, 1-based): chr2:73,424,767, T>G. VCF-style: chr2-73424767-T-G. GRCh37 (hg19) VCF-style: chr2-73651895-T-G.
Other names: c.1105T>G, p.Ser369Ala (NM_015120.4); short protein forms S368A, S369A.
Identifiers: ClinVar variation 1980738 (VCV001980738.4), dbSNP rs2466047202, ClinGen allele CA347261504.
Genomic context (GRCh38, chr2:73,424,767, plus strand): 5'-TGGAAGACACGAAAAGATACACAGTGGCCTGAAAACAATTTAGCTGATAAAGATCAAGTT[T>G]CAGTTGCAACTTCATTTGACATAACTGATGAAAACATAGCTACTAAAAGAAGTGACCATT-3'
Protein context (NP_001365383.1, residues 358-378): ENNLADKDQV[Ser368Ala]VATSFDITDE

ClinVar aggregate classification (germline): Uncertain significance (1 of 4 stars; one submission).

Conditions:
Alstrom syndrome (ALMS). Identifiers: Orphanet 64, MedGen C0268425, MONDO:0008763, OMIM 203800.

Submission:

Labcorp Genetics (formerly Invitae), Labcorp
Classification: Uncertain significance for Alstrom syndrome. Last evaluated: 2022-03-13. Review status: criteria provided, single submitter. Criteria: Invitae Variant Classification Sherloc (09022015). Collection method: clinical testing. Allele origin: germline.
Comment: Experimental studies and prediction algorithms are not available or were not evaluated, and the functional significance of this variant is currently unknown. In summary, the available evidence is currently insufficient to determine the role of this variant in disease. Therefore, it has been classified as a Variant of Uncertain Significance. This variant has not been reported in the literature in individuals affected with ALMS1-related conditions. This sequence change replaces serine, which is neutral and polar, with alanine, which is neutral and non-polar, at codon 369 of the ALMS1 protein (p.Ser369Ala). This variant is not present in population databases (gnomAD no frequency).